The following is an entry in ClinVar:

NM_000051.4(ATM):c.6198+11T>C

Genes: ATM (ATM serine/threonine kinase; plus strand), C11orf65 (chromosome 11 open reading frame 65; minus strand). Cytogenetic location: 11q22.3.
Variant type: single nucleotide variant.
Coding change: c.6198+11T>C on transcript NM_000051.4 (MANE Select); 11 bases into the intron after coding-DNA position 6198, T replaced by C.
Molecular consequence: intron variant.
Genome position (GRCh38, 1-based): chr11:108,316,124, T>C. VCF-style: chr11-108316124-T-C. GRCh37 (hg19) VCF-style: chr11-108186851-T-C.
Other names: c.6198+11T>C (NM_001351834.2); c.641-7053A>G (NM_001330368.2); c.*39-7053A>G (NM_001351110.2).
Identifiers: ClinVar variation 446298 (VCV000446298.8), dbSNP rs774664615, ClinGen allele CA6265877.

ClinVar aggregate classification (germline): Likely benign. Review status: criteria provided, single submitter (1 of 4 stars). 2 submissions from 2 submitters: Likely benign (1). 1 of the submissions does not count toward it. Last evaluated 2022-04-13.

Conditions:
CUP (carcinoma unknown primary) syndrome.
Ataxia-telangiectasia syndrome (AT). Also called: LOUIS-BAR SYNDROME; Cerebello-oculocutaneous telangiectasia; Immunodeficiency with ataxia telangiectasia; Ataxia-telangiectasia, complementation group D; AT, COMPLEMENTATION GROUP C; Ataxia-telangiectasia, complementation group E. Identifiers: Orphanet 100, MedGen C0004135, MONDO:0008840, OMIM 208900.

Allele frequency attached by ClinVar (database versions not stated): gnomAD exomes below 0.00001 and 0.00001; ExAC 0.00002.
gnomAD v4.1: 2 of 1,612,656 alleles (0.00012%); highest among the groups gnomAD compares: Non-Finnish European, 0.00017%; no homozygotes.

Submissions (2):

Labcorp Genetics (formerly Invitae), Labcorp
Classification: Likely benign for Ataxia-telangiectasia syndrome. Last evaluated: 2022-04-13. Review status: criteria provided, single submitter. Criteria: Invitae Variant Classification Sherloc (09022015). Collection method: clinical testing. Allele origin: germline.

MVZ Praenatalmedizin und Genetik Nuernberg
Classification: Uncertain significance for CUP (carcinoma unknown primary) syndrome. Last evaluated: 2017-11-01. Review status: no assertion criteria provided. Collection method: clinical testing. Allele origin: germline. Inheritance: Autosomal dominant inheritance. Affected: yes. Observed: 1 variant allele, 1 heterozygote. Not counted in ClinVar's aggregate classification.
Comment: This rare/private variant (gnomAD: 2/245494 alleles) was not found in databases and literature. Multiple in silico analyses predict this variant to be benign but are not sufficient for classification. Therefore we rate this variant as Variant of unknown significance (VUS).